The following is an entry in ClinVar:

NM_020937.4(FANCM):c.4399T>G (p.Ser1467Ala)

Gene: FANCM (FA complementation group M; plus strand). Cytogenetic location: 14q21.2.
Variant type: single nucleotide variant.
Coding change: c.4399T>G on transcript NM_020937.4 (MANE Select); coding-DNA position 4399, T replaced by G.
Protein change: p.Ser1467Ala; replaces serine 1467 with alanine.
Molecular consequence: missense variant.
Genome position (GRCh38, 1-based): chr14:45,183,786, T>G. VCF-style: chr14-45183786-T-G. GRCh37 (hg19) VCF-style: chr14-45652989-T-G.
Other names: c.4321T>G, p.Ser1441Ala (NM_001308133.2); short protein forms S1467A, S1441A.
Identifiers: ClinVar variation 3848804 (VCV003848804.1).

ClinVar aggregate classification (germline): Uncertain significance (1 of 4 stars; one submission).

Conditions:
Inborn genetic diseases. Identifiers: MedGen C0950123, MeSH D030342.

Submission:

Ambry Genetics
Classification: Uncertain significance for Inborn genetic diseases. Last evaluated: 2025-03-08. Review status: criteria provided, single submitter. Criteria: Ambry Variant Classification Scheme 2023. Collection method: clinical testing. Allele origin: germline.
Comment: The p.S1467A variant (also known as c.4399T>G), located in coding exon 17 of the FANCM gene, results from a T to G substitution at nucleotide position 4399. The serine at codon 1467 is replaced by alanine, an amino acid with similar properties. This amino acid position is conserved. In addition, this alteration is predicted to be tolerated by in silico analysis. Based on the available evidence, the clinical significance of this variant remains unclear.